The following is an entry in ClinVar:

NM_001130987.2(DYSF):c.175C>A (p.Pro59Thr)

Gene: DYSF (dysferlin; plus strand). Cytogenetic location: 2p13.2.
Variant type: single nucleotide variant.
Coding change: c.175C>A on transcript NM_001130987.2 (MANE Select); coding-DNA position 175, C replaced by A.
Protein change: p.Pro59Thr; replaces proline 59 with threonine.
Molecular consequence: missense variant.
Genome position (GRCh38, 1-based): chr2:71,481,906, C>A. VCF-style: chr2-71481906-C-A. GRCh37 (hg19) VCF-style: chr2-71709036-C-A.
Other names: c.175C>A, p.Pro59Thr (NM_001130982.2, NM_001130983.2, NM_001130984.2 and 3 more transcripts); c.172C>A, p.Pro58Thr (NM_003494.4, NM_001130976.2, NM_001130977.2 and 4 more transcripts); short protein forms P58T, P59T.
Identifiers: ClinVar variation 1524393 (VCV001524393.5), dbSNP rs1400538817, ClinGen allele CA347216317.
Genomic context (GRCh38, chr2:71,481,906, plus strand): 5'-TAGGTTAAGATGCCTTTTCTCTTTTTCTTCCAGGGATTTGAATGGGACCTCAAGGGCATC[C>A]CCCTGGACCAGGGCTCTGAGCTTCATGTGGTGGTCAAAGACCATGAGACGATGGGGAGGA-3'
Protein context (NP_001124459.1, residues 49-69): EGFEWDLKGI[Pro59Thr]LDQGSELHVV

ClinVar aggregate classification (germline): Uncertain significance (1 of 4 stars; one submission).

Conditions:
Neuromuscular disease caused by qualitative or quantitative defects of dysferlin. Also called: Dysferlinopathy; Qualitative or quantitative defects of dysferlin. Identifiers: Orphanet 207073, MedGen C2931687, MONDO:0016145.

Allele frequency attached by ClinVar (database versions not stated): gnomAD exomes below 0.00001.
gnomAD v4.1: 1 of 1,614,130 alleles (0.000062%); highest among the groups gnomAD compares: South Asian, 0.0011%; no homozygotes.

Submission:

Labcorp Genetics (formerly Invitae), Labcorp
Classification: Uncertain significance for Neuromuscular disease caused by qualitative or quantitative defects of dysferlin. Last evaluated: 2021-08-24. Review status: criteria provided, single submitter. Criteria: Invitae Variant Classification Sherloc (09022015). Collection method: clinical testing. Allele origin: germline.
Comment: This sequence change replaces proline with threonine at codon 58 of the DYSF protein (p.Pro58Thr). The proline residue is moderately conserved and there is a small physicochemical difference between proline and threonine. This variant is not present in population databases (ExAC no frequency). This variant has not been reported in the literature in individuals affected with DYSF-related conditions. Advanced modeling of protein sequence and biophysical properties (such as structural, functional, and spatial information, amino acid conservation, physicochemical variation, residue mobility, and thermodynamic stability) performed at Invitae indicates that this missense variant is not expected to disrupt DYSF protein function. In summary, the available evidence is currently insufficient to determine the role of this variant in disease. Therefore, it has been classified as a Variant of Uncertain Significance.